The following is an entry in ClinVar:

ClinVar aggregate classification (germline): Uncertain significance (1 of 4 stars; one submission).

gnomAD v4.1: 2 of 1,613,900 alleles (0.00012%); highest among the groups gnomAD compares: Non-Finnish European, 0.00017%; no homozygotes.

Submission:

Dasa
Classification: Uncertain significance. Last evaluated: 2026-04-20. Review status: criteria provided, single submitter. Criteria: DASA Assertion Criteria. Collection method: clinical testing. Allele origin: germline.
Comment: NM_000258.3(MYL3):c.510G>T (p.Glu170Asp) is a missense variant that results in the substitution of glutamic acid with aspartic acid. This variant is rare in population databases. The currently available literature and clinical evidence are not sufficient to establish a definitive association between this variant and the reported condition. Therefore, this variant is classified as a variant of uncertain significance.

NM_000258.3(MYL3):c.510G>T (p.Glu170Asp)

Gene: MYL3 (myosin light chain 3; minus strand). Cytogenetic location: 3p21.31.
Variant type: single nucleotide variant.
Coding change: c.510G>T on transcript NM_000258.3 (MANE Select); coding-DNA position 510, G replaced by T.
Protein change: p.Glu170Asp; replaces glutamic acid 170 with aspartic acid.
Molecular consequence: missense variant.
Genome position (GRCh38, 1-based): chr3:46,858,433, C>A on the plus strand (G>T on the coding strand, the complement: MYL3 is on the minus strand). VCF-style: chr3-46858433-C-A. GRCh37 (hg19) VCF-style: chr3-46899923-C-A.
Other names: c.510G>T, p.Glu170Asp (NM_001406937.1, NM_001406938.1, NM_001406939.1); c.336G>T, p.Glu112Asp (NM_001406940.1); c.321G>T, p.Glu107Asp (NM_001406941.1); short protein forms E107D, E112D, E170D.
Identifiers: ClinVar variation 4885434 (VCV004885434.2).
Genomic context (GRCh38, chr3:46,858,433, plus strand): 5'-GCTGAGCCCACCTTCATAGTTGATGCAGCCATTGGAGTCCTCTTGCCCAGCCATCAACTT[C>A]TCCACTTCGTCTTCTGTCAGCCTCTCACCTGGCAGGAGTGGGAGGCTGAGTCAGCACCGT-3'
Protein context (NP_000249.1, residues 160-180): LGERLTEDEV[Glu170Asp]KLMAGQEDSN